The following is an entry in ClinVar:

ClinVar aggregate classification (germline): Uncertain significance (1 of 4 stars; one submission).

Conditions:
Inborn genetic diseases. Identifiers: MedGen C0950123, MeSH D030342.

gnomAD v4.1: 1 of 1,612,514 alleles (0.000062%); highest among the groups gnomAD compares: Admixed American, 0.0017%; no homozygotes.

Submission:

Ambry Genetics
Classification: Uncertain significance for Inborn genetic diseases. Last evaluated: 2025-04-07. Review status: criteria provided, single submitter. Criteria: Ambry Variant Classification Scheme 2023. Collection method: clinical testing. Allele origin: germline.
Comment: The p.N432I variant (also known as c.1295A>T), located in coding exon 9 of the MIB1 gene, results from an A to T substitution at nucleotide position 1295. The asparagine at codon 432 is replaced by isoleucine, an amino acid with dissimilar properties. This amino acid position is conserved. In addition, this alteration is predicted to be tolerated by in silico analysis. Based on the available evidence, the clinical significance of this variant remains unclear.

NM_020774.4(MIB1):c.1295A>T (p.Asn432Ile)

Gene: MIB1 (MIB E3 ubiquitin protein ligase 1; plus strand). Cytogenetic location: 18q11.2.
Variant type: single nucleotide variant.
Coding change: c.1295A>T on transcript NM_020774.4 (MANE Select); coding-DNA position 1295, A replaced by T.
Protein change: p.Asn432Ile; replaces asparagine 432 with isoleucine.
Molecular consequence: missense variant.
Genome position (GRCh38, 1-based): chr18:21,799,898, A>T. VCF-style: chr18-21799898-A-T. GRCh37 (hg19) VCF-style: chr18-19379859-A-T.
Other names: short protein forms N432I.
Identifiers: ClinVar variation 4054641 (VCV004054641.1).